The following is an entry in ClinVar:

ClinVar aggregate classification (germline): Uncertain significance. Review status: criteria provided, multiple submitters, no conflicts (2 of 4 stars). 2 submissions from 2 submitters: Uncertain significance (2). Last evaluated 2025-08-06.

Conditions:
Bifunctional peroxisomal enzyme deficiency (DBIF). Also called: DBP DEFICIENCY; PBFE DEFICIENCY; D-bifunctional protein deficiency. Identifiers: Orphanet 300, MedGen C0342870, MONDO:0009855, OMIM 261515. Disease mechanism: loss of function.
Perrault syndrome. Also called: Gonadal dysgenesis with auditory dysfunction, autosomal recessive inheritance. Identifiers: Orphanet 2855, MedGen C0685838, MONDO:0017312.
Inborn genetic diseases. Identifiers: MedGen C0950123, MeSH D030342.

Allele frequency attached by ClinVar (database versions not stated): gnomAD exomes below 0.00001 and 0.00001; TOPMed below 0.00001; ESP Exome Variant Server 0.00008.
gnomAD v4.1: 5 of 1,602,066 alleles (0.00031%); highest among the groups gnomAD compares: African/African-American, 0.0013%; no homozygotes.

Submissions (2):

Ambry Genetics
Classification: Uncertain significance for Inborn genetic diseases. Last evaluated: 2025-08-06. Review status: criteria provided, single submitter. Criteria: Ambry Variant Classification Scheme 2023. Collection method: clinical testing. Allele origin: germline.

Labcorp Genetics (formerly Invitae), Labcorp
Classification: Uncertain significance for Perrault syndrome; Bifunctional peroxisomal enzyme deficiency. Last evaluated: 2024-10-22. Review status: criteria provided, single submitter. Criteria: Invitae Variant Classification Sherloc (09022015). Collection method: clinical testing. Allele origin: germline.
Comment: This sequence change replaces valine, which is neutral and non-polar, with methionine, which is neutral and non-polar, at codon 553 of the HSD17B4 protein (p.Val553Met). This variant is present in population databases (rs149141475, gnomAD 0.004%). This variant has not been reported in the literature in individuals affected with HSD17B4-related conditions. ClinVar contains an entry for this variant (Variation ID: 1375608). Invitae Evidence Modeling of protein sequence and biophysical properties (such as structural, functional, and spatial information, amino acid conservation, physicochemical variation, residue mobility, and thermodynamic stability) has been performed for this missense variant. However, the output from this modeling did not meet the statistical confidence thresholds required to predict the impact of this variant on HSD17B4 protein function. In summary, the available evidence is currently insufficient to determine the role of this variant in disease. Therefore, it has been classified as a Variant of Uncertain Significance.

NM_000414.4(HSD17B4):c.1657G>A (p.Val553Met)

Gene: HSD17B4 (hydroxysteroid 17-beta dehydrogenase 4; plus strand). Cytogenetic location: 5q23.1.
Variant type: single nucleotide variant.
Coding change: c.1657G>A on transcript NM_000414.4 (MANE Select); coding-DNA position 1657, G replaced by A.
Protein change: p.Val553Met; replaces valine 553 with methionine.
Molecular consequence: missense variant. On other transcripts: non-coding transcript variant (2).
Genome position (GRCh38, 1-based): chr5:119,526,000, G>A. VCF-style: chr5-119526000-G-A. GRCh37 (hg19) VCF-style: chr5-118861695-G-A.
Other names: c.1732G>A, p.Val578Met (NM_001199291.3); c.1603G>A, p.Val535Met (NM_001199292.2); c.1585G>A, p.Val529Met (NM_001292027.2, NM_001374498.1); c.1237G>A, p.Val413Met (NM_001292028.2); c.1648G>A, p.Val550Met (NM_001374497.1); c.1657G>A (NM_000414.3); c.1330G>A, p.Val444Met (NM_001374499.1); c.1216G>A, p.Val406Met (NM_001374500.1); and 1 more; short protein forms V413M, V416M, V553M, V444M, V529M, V550M, V406M, V535M.
Identifiers: ClinVar variation 1375608 (VCV001375608.8), dbSNP rs149141475, ClinGen allele CA125854200.
Genomic context (GRCh38, chr5:119,526,000, plus strand): 5'-GGATTATGTACATTTGGATTTTCTGCCAGGCGTGTGTTACAGCAGTTTGCAGATAATGAT[G>A]TGTCAAGATTCAAGGCAATTAAGGTAAATGTGTATTACTACGTAATTTGAATATTACTTC-3'
Protein context (NP_000405.1, residues 543-563): RVLQQFADND[Val553Met]SRFKAIKARF